The following is an entry in ClinVar:

NM_005529.7(HSPG2):c.6633C>A (p.Ala2211=)

Genes: HSPG2 (heparan sulfate proteoglycan 2; minus strand), LOC126805655 (CDK7 strongly-dependent group 2 enhancer GRCh37_chr1:22178409-22179608; plus strand). Cytogenetic location: 1p36.12.
Variant type: single nucleotide variant.
Coding change: c.6633C>A on transcript NM_005529.7 (MANE Select); coding-DNA position 6633, C replaced by A.
Protein change: p.Ala2211=; no amino-acid change (alanine 2211 retained).
Molecular consequence: synonymous variant.
Genome position (GRCh38, 1-based): chr1:21,852,791, G>T on the plus strand (C>A on the coding strand, the complement: HSPG2 is on the minus strand). VCF-style: chr1-21852791-G-T. GRCh37 (hg19) VCF-style: chr1-22179284-G-T.
Other names: c.6636C>A, p.Ala2212= (NM_001291860.2); c.6633C>A (NM_005529.6).
Identifiers: ClinVar variation 1432753 (VCV001432753.10), dbSNP rs150598449, ClinGen allele CA671470.

ClinVar aggregate classification (germline): Likely benign. Review status: criteria provided, single submitter (1 of 4 stars). 2 submissions from 2 submitters: Likely benign (1). 1 of the submissions does not count toward it. Last evaluated 2025-10-26.

Conditions:
HSPG2-related disorder. Also called: HSPG2-related condition; HSPG2-related disorders.

Allele frequency attached by ClinVar (database versions not stated): ESP Exome Variant Server 0.00015.
gnomAD v4.1: 51 of 1,612,836 alleles (0.0032%); highest among the groups gnomAD compares: African/African-American, 0.0027%; no homozygotes.

Submissions (2):

Labcorp Genetics (formerly Invitae), Labcorp
Classification: Likely benign. Last evaluated: 2025-10-26. Review status: criteria provided, single submitter. Criteria: Invitae Variant Classification Sherloc (09022015). Collection method: clinical testing. Allele origin: germline.

PreventionGenetics, part of Exact Sciences
Classification: Likely benign for HSPG2-related condition. Last evaluated: 2019-03-09. Review status: no assertion criteria provided. Collection method: clinical testing. Allele origin: germline. Not counted in ClinVar's aggregate classification.
Comment: This variant is classified as likely benign based on ACMG/AMP sequence variant interpretation guidelines (Richards et al. 2015 PMID: 25741868, with internal and published modifications).